The following is an entry in ClinVar:

NM_001100.4(ACTA1):c.676G>C (p.Glu226Gln)

Gene: ACTA1 (actin alpha 1, skeletal muscle; minus strand). Cytogenetic location: 1q42.13.
Variant type: single nucleotide variant.
Coding change: c.676G>C on transcript NM_001100.4 (MANE Select); coding-DNA position 676, G replaced by C.
Protein change: p.Glu226Gln; replaces glutamic acid 226 with glutamine.
Molecular consequence: missense variant.
Genome position (GRCh38, 1-based): chr1:229,432,126, C>G on the plus strand (G>C on the coding strand, the complement: ACTA1 is on the minus strand). VCF-style: chr1-229432126-C-G. GRCh37 (hg19) VCF-style: chr1-229567873-C-G.
Other names: short protein forms E226Q.
Identifiers: ClinVar variation 381640 (VCV000381640.10), dbSNP rs1057521118, ClinGen allele CA16603575.

ClinVar aggregate classification (germline): Pathogenic/Likely pathogenic. Review status: criteria provided, multiple submitters, no conflicts (2 of 4 stars). 2 submissions from 2 submitters: Pathogenic (1); Likely pathogenic (1). Last evaluated 2022-07-18.

Conditions:
Actin accumulation myopathy (CMYO2A). Also called: CONGENITAL MYOPATHY 2A, TYPICAL, AUTOSOMAL DOMINANT; Myopathy, actin, congenital, with cores; Nemaline myopathy 3, with intranuclear rods; Nemaline myopathy type 3; Myopathy, actin, congenital, with excess of thin myofilaments. Identifiers: Orphanet 98904, MedGen C3711389, MONDO:0008070, OMIM 161800.

Submissions (2):

Labcorp Genetics (formerly Invitae), Labcorp
Classification: Pathogenic for Actin accumulation myopathy. Last evaluated: 2022-07-18. Review status: criteria provided, single submitter. Criteria: Invitae Variant Classification Sherloc (09022015). Collection method: clinical testing. Allele origin: germline.
Comment: For these reasons, this variant has been classified as Pathogenic. This variant disrupts the p.Glu226 amino acid residue in ACTA1. Other variant(s) that disrupt this residue have been determined to be pathogenic (PMID: 12921789, 19562689). This suggests that this residue is clinically significant, and that variants that disrupt this residue are likely to be disease-causing. Advanced modeling of protein sequence and biophysical properties (such as structural, functional, and spatial information, amino acid conservation, physicochemical variation, residue mobility, and thermodynamic stability) performed at Invitae indicates that this missense variant is expected to disrupt ACTA1 protein function. ClinVar contains an entry for this variant (Variation ID: 381640). This variant is also known as p.Glu224Gln. This missense change has been observed in individuals with nemaline myopathy (PMID: 12921789). This variant is not present in population databases (gnomAD no frequency). This sequence change replaces glutamic acid, which is acidic and polar, with glutamine, which is neutral and polar, at codon 226 of the ACTA1 protein (p.Glu226Gln).

GeneDx
Classification: Likely pathogenic. Last evaluated: 2016-10-05. Review status: criteria provided, single submitter. Criteria: GeneDx Variant Classification (06012015). Collection method: clinical testing. Allele origin: germline. Affected: yes.
Comment: The E226Q variant was originally reported, using alternative nomenclature, as a heterozygous variant in a patient with severe nemaline myopathy (Sparrow et al., 2003). Subsequently, E226Q was observed in another patient with nemaline myopathy (Wallgren-Petterson et al., 2004); however, segregation analysis was not provided in either case. The E226Q variant was not observed in approximately 6,500 individuals of European and African American ancestry in the NHLBI Exome Sequencing Project, indicating it is not a common benign variant in these populations. The E226Q variant is a semi-conservative amino acid substitution, which may impact secondary protein structure as these residues differ in some properties. This substitution occurs at a position that is conserved across species, and missense variants in nearby residues (L223P; E228Q; M229V/T/I) have been reported in the Human Gene Mutation Database in association with ACTA1-related disorders (Stenson et al., 2014), supporting the functional importance of this region of the protein. However, in silico analysis is inconsistent in its predictions as to whether or not the variant is damaging to the protein structure/function.

Literature cited by the submitters: PubMed 12921789 (cited by Labcorp Genetics (formerly Invitae), Labcorp); PubMed 19562689 (cited by Labcorp Genetics (formerly Invitae), Labcorp).